The following is an entry in ClinVar:

NM_020297.4(ABCC9):c.729del (p.Ile243fs)

Gene: ABCC9 (ATP binding cassette subfamily C member 9; minus strand). Cytogenetic location: 12p12.1.
Variant type: Deletion.
Coding change: c.729del on transcript NM_020297.4 (MANE Select); coding-DNA position 729, one base deleted (T; older notation c.729delT).
Protein change: p.Ile243fs; shifts the reading frame from isoleucine 243.
Molecular consequence: frameshift variant. On other transcripts: intron variant (1).
Genome position (GRCh38, 1-based): chr12:21,915,755, A deleted on the plus strand (T on the coding strand, the reverse complement: ABCC9 is on the minus strand); the first of 2 consecutive A bases (chr12:21,915,755-21,915,756); deleting either gives the same sequence. VCF-style (leftmost placement, unchanged base first): chr12-21915754-CA-C. GRCh37 (hg19) VCF-style: chr12-22068688-CA-C.
Other names: c.729del, p.Ile243fs (NM_001377273.1, NM_005691.4); c.-48-2689del (NM_001377274.1); short protein forms I243fs.
Identifiers: ClinVar variation 2018500 (VCV002018500.4), dbSNP rs2541735680, ClinGen allele CA2580085275.

ClinVar aggregate classification (germline): Pathogenic (1 of 4 stars; one submission).

Conditions:
Dilated cardiomyopathy 1O (CMD1O). Also called: CARDIOMYOPATHY, DILATED, WITH VENTRICULAR TACHYCARDIA. Identifiers: Orphanet 154, MedGen C1837839, MONDO:0012062, OMIM 608569.

Submission:

Labcorp Genetics (formerly Invitae), Labcorp
Classification: Pathogenic for Dilated cardiomyopathy 1O. Last evaluated: 2024-10-01. Review status: criteria provided, single submitter. Criteria: Invitae Variant Classification Sherloc (09022015). Collection method: clinical testing. Allele origin: germline.
Comment: This sequence change creates a premature translational stop signal (p.Ile243Metfs*3) in the ABCC9 gene. It is expected to result in an absent or disrupted protein product. Loss-of-function variants in ABCC9 are known to be pathogenic (PMID: 31575858, 38217872). This variant is not present in population databases (gnomAD no frequency). This variant has not been reported in the literature in individuals affected with ABCC9-related conditions. ClinVar contains an entry for this variant (Variation ID: 2018500). For these reasons, this variant has been classified as Pathogenic.

Literature cited by the submitters: PubMed 31575858; PubMed 38217872.